The following is an entry in ClinVar:

NM_139137.4(KCNC2):c.435G>T (p.Glu145Asp)

Gene: KCNC2 (potassium voltage-gated channel subfamily C member 2; minus strand). Cytogenetic location: 12q21.1.
Variant type: single nucleotide variant.
Coding change: c.435G>T on transcript NM_139137.4 (MANE Select); coding-DNA position 435, G replaced by T.
Protein change: p.Glu145Asp; replaces glutamic acid 145 with aspartic acid.
Molecular consequence: missense variant. On other transcripts: non-coding transcript variant (2).
Genome position (GRCh38, 1-based): chr12:75,207,549, C>A on the plus strand (G>T on the coding strand, the complement: KCNC2 is on the minus strand). VCF-style: chr12-75207549-C-A. GRCh37 (hg19) VCF-style: chr12-75601329-C-A.
Other names: c.435G>T, p.Glu145Asp (NM_001260497.2, NM_001260498.2, NM_001260499.2 and 13 more transcripts); short protein forms E145D.
Identifiers: ClinVar variation 4879573 (VCV004879573.1).
Genomic context (GRCh38, chr12:75,207,549, plus strand): 5'-CGCCTCCTCGGCGTCGCGGTGCTGCCGGTAGGTCATCCAGCAGCAGGGCTCCACGTCGGT[C>A]TCGTCGATGCCCCAGAAGGCCAGCTCCTCCTCGAAGAGCGGCCCGCACACGTCTGCGGGG-3'
Protein context (NP_631875.1, residues 135-155): EEELAFWGID[Glu145Asp]TDVEPCCWMT

ClinVar aggregate classification (germline): Uncertain significance (1 of 4 stars; one submission).

Conditions:
Developmental and epileptic encephalopathy 103 (DEE103). Identifiers: MedGen C5677002, MONDO:0030957, OMIM 619913.

Submission:

Victorian Clinical Genetics Services, Murdoch Childrens Research Institute
Classification: Uncertain significance for Developmental and epileptic encephalopathy 103. Last evaluated: 2026-04-17. Review status: criteria provided, single submitter. Criteria: ACMG Guidelines, 2015. Collection method: clinical testing. Allele origin: germline. Affected: yes.
Comment: This variant is classified as VUS-3B. Evidence in support of pathogenic classification: An alternative nucleotide resulting in the same protein outcome is present in gnomAD <0.001 for a dominant condition (v4: 2 heterozygote(s), 0 homozygote(s)). Additional information: Variant is predicted to result in a missense amino acid change from Glu to Asp; This variant is heterozygous; This gene is associated with autosomal dominant disease; This variant has no previous evidence of pathogenicity; No published evidence of segregation with disease has been identified for this variant; No published functional evidence has been identified for this variant; No comparable missense variants have previous evidence for pathogenicity; Variant is located in the annotated T1 domain (PMID: 35314505); Missense variant with inconclusive in silico prediction and/or uninformative conservation; Gain of function and loss of function are known mechanisms of disease in this gene and are associated with developmental and epileptic encephalopathy 103 (MIM#619913). Missense variants have been proven to result in mixed effects on the channel function; with a gain of function based on changes in the channel kinetics and a loss of function based on a decrease in the normalised current amplitude. Dominant negative was also demonstrated for a single, milder variant (PMID: 35314505; 32392612; 37360341; 36087422); Inheritance information for this variant is not currently available in this individual.

Literature cited by the submitters: PubMed 35314505.